The following is an entry in ClinVar:

NM_000179.3(MSH6):c.-1_46del (p.Met1fs)

Gene: MSH6 (mutS homolog 6; plus strand). Cytogenetic location: 2p16.3.
Variant type: Deletion.
Coding change: c.-1_46del on transcript NM_000179.3 (MANE Select); 1 bases upstream of the start codon through coding-DNA position 46, 47 bases deleted.
Protein change: p.Met1fs; shifts the reading frame from methionine 1.
Molecular consequence: frameshift variant, initiator codon variant. On other transcripts: 5 prime UTR variant (1).
Genome position (GRCh38, 1-based): chr2:47,783,233-47,783,279, 47 bases deleted; deleting any 47 consecutive bases within chr2:47,783,230-47,783,279 gives the same sequence; the c. name uses the placement nearest the transcript's 3' end. GRCh37 (hg19): chr2:48,010,372-48,010,418.
Other names: c.-1_46del, p.Met1fs (NM_001281492.2); c.-737_-691del (NM_001281493.2); c.-1_46del47, p.Met(?_1)_Ala16(?) (NM_001406795.1, NM_001406796.1, NM_001406798.1 and 8 more transcripts); c.-329_-283del47 (NM_001406799.1); c.-56_-10del47 (NM_001406804.1); c.-929_-883del47 (NM_001406807.1); c.-737_-691del47 (NM_001406811.1); c.-584_-538del47 (NM_001406812.1); and 3 more; short protein forms M1fs.
Identifiers: ClinVar variation 1736919 (VCV001736919.3), dbSNP rs2530313245, ClinGen allele CA2580066844.
Genomic context (GRCh38, chr2:47,783,229, plus strand): 5'-GCGGTAGATGCGGTGCTTTTAGGAGCTCCGTCCGACAGAACGGTTGGGCCTTGCCGGCTG[TCGGTATGTCGCGACAGAGCACCCTGTACAGCTTCTTCCCCAAGTCTC>T]CGGCGCTGAGTGATGCCAACAAGGCCTCGGCCAGGGCCTCACGCGAAGGCGGCCGTGCCG-3'

ClinVar aggregate classification (germline): Pathogenic (1 of 4 stars; one submission).

Conditions:
Hereditary cancer-predisposing syndrome. Also called: Neoplastic Syndromes, Hereditary; Tumor predisposition; Hereditary Cancer Syndrome; Hereditary neoplastic syndrome. Identifiers: Orphanet 140162, MedGen C0027672, MeSH D009386, MONDO:0015356.

Submission:

Ambry Genetics
Classification: Pathogenic for Hereditary cancer-predisposing syndrome. Last evaluated: 2017-12-27. Review status: criteria provided, single submitter. Criteria: Ambry Variant Classification Scheme 2023. Collection method: clinical testing. Allele origin: germline.
Comment: The c.-4_43del47 pathogenic mutation (also known as p.M1?) is located in coding exon 1 of the MSH6 gene and results from a deletion of of 47 bases at positions c.-4 to c.43 and removes the methionine residue at the initiation codon. Since sequence variations that modify the initiation codon (ATG) are expected to result in either loss of translation initiation, N-terminal truncation, or cause a shift in the mRNA reading frame, this alteration is interpreted as a disease-causing mutation.